The following is an entry in ClinVar:

NM_003722.5(TP63):c.1970A>G (p.Glu657Gly)

Gene: TP63 (tumor protein p63; plus strand). Cytogenetic location: 3q28.
Variant type: single nucleotide variant.
Coding change: c.1970A>G on transcript NM_003722.5 (MANE Select); coding-DNA position 1970, A replaced by G.
Protein change: p.Glu657Gly; replaces glutamic acid 657 with glycine.
Molecular consequence: missense variant. On other transcripts: 3 prime UTR variant (6).
Genome position (GRCh38, 1-based): chr3:189,894,429, A>G. VCF-style: chr3-189894429-A-G. GRCh37 (hg19) VCF-style: chr3-189612218-A-G.
Other names: c.*208A>G (NM_001114978.2, NM_001114981.2); c.1688A>G, p.Glu563Gly (NM_001114980.2); c.*198A>G (NM_001329144.2, NM_001329145.2, NM_001329149.2 and 1 more transcripts); c.1433A>G, p.Glu478Gly (NM_001329146.2); c.1958A>G, p.Glu653Gly (NM_001329148.2); c.1964A>G, p.Glu655Gly (NM_001329964.2); short protein forms E563G, E653G, E657G, E478G, E655G.
Identifiers: ClinVar variation 2148921 (VCV002148921.3), dbSNP rs1213873148, ClinGen allele CA355751578.

ClinVar aggregate classification (germline): Uncertain significance (1 of 4 stars; one submission).

Conditions:
TP63-Related Spectrum Disorders.

Allele frequency attached by ClinVar (database versions not stated): gnomAD exomes below 0.00001; gnomAD 0.00001.
gnomAD v4.1: 8 of 1,613,850 alleles (0.0005%); highest among the groups gnomAD compares: African/African-American, 0.0053%; no homozygotes.

Submission:

Labcorp Genetics (formerly Invitae), Labcorp
Classification: Uncertain significance. Last evaluated: 2022-02-12. Review status: criteria provided, single submitter. Criteria: Invitae Variant Classification Sherloc (09022015). Collection method: clinical testing. Allele origin: germline.
Comment: This variant is not present in population databases (gnomAD no frequency). This sequence change replaces glutamic acid, which is acidic and polar, with glycine, which is neutral and non-polar, at codon 657 of the TP63 protein (p.Glu657Gly). This variant has not been reported in the literature in individuals affected with TP63-related conditions. In summary, the available evidence is currently insufficient to determine the role of this variant in disease. Therefore, it has been classified as a Variant of Uncertain Significance. Algorithms developed to predict the effect of missense changes on protein structure and function are either unavailable or do not agree on the potential impact of this missense change (SIFT: "Deleterious"; PolyPhen-2: "Benign"; Align-GVGD: "Class C0").